The following is an entry in ClinVar:

ClinVar aggregate classification (germline): Uncertain significance (1 of 4 stars; one submission).

Conditions:
46,XY sex reversal 9 (SRXY9). Also called: 46,XY SEX REVERSAL, ZFPM2-RELATED. Identifiers: Orphanet 251510, MedGen C4015129, MONDO:0014480, OMIM 616067.

gnomAD v4.1: 166 of 1,613,690 alleles (0.01%); highest among the groups gnomAD compares: Non-Finnish European, 0.014%; no homozygotes.

Submission:

Labcorp Genetics (formerly Invitae), Labcorp
Classification: Uncertain significance for 46,XY sex reversal 9. Last evaluated: 2025-09-23. Review status: criteria provided, single submitter. Criteria: Invitae Variant Classification Sherloc (09022015). Collection method: clinical testing. Allele origin: germline.
Comment: This sequence change replaces leucine, which is neutral and non-polar, with valine, which is neutral and non-polar, at codon 746 of the ZFPM2 protein (p.Leu746Val). This variant is present in population databases (rs374751661, gnomAD 0.02%). This variant has not been reported in the literature in individuals affected with ZFPM2-related conditions. An algorithm developed to predict the effect of missense changes on protein structure and function (PolyPhen-2) suggests that this variant is likely to be disruptive. In summary, the available evidence is currently insufficient to determine the role of this variant in disease. Therefore, it has been classified as a Variant of Uncertain Significance.

NM_012082.4(ZFPM2):c.2236C>G (p.Leu746Val)

Genes: ZFPM2 (zinc finger protein, FOG family member 2; plus strand), ZFPM2-AS1 (ZFPM2 antisense RNA 1; minus strand), LOC126860469 (BRD4-independent group 4 enhancer GRCh37_chr8:106814445-106815644; plus strand). Cytogenetic location: 8q23.1.
Variant type: single nucleotide variant.
Coding change: c.2236C>G on transcript NM_012082.4 (MANE Select); coding-DNA position 2236, C replaced by G.
Protein change: p.Leu746Val; replaces leucine 746 with valine.
Molecular consequence: missense variant.
Genome position (GRCh38, 1-based): chr8:105,802,318, C>G. VCF-style: chr8-105802318-C-G. GRCh37 (hg19) VCF-style: chr8-106814546-C-G.
Other names: c.2077C>G, p.Leu693Val (NM_001362836.2); c.1840C>G, p.Leu614Val (NM_001362837.2); short protein forms L614V, L693V, L746V.
Identifiers: ClinVar variation 4808356 (VCV004808356.1).